The following is an entry in ClinVar:

ClinVar aggregate classification (germline): Likely pathogenic. Review status: criteria provided, multiple submitters, no conflicts (2 of 4 stars). 2 submissions from 2 submitters: Likely pathogenic (2). Last evaluated 2024-06-11.

Conditions:
Acute infantile liver failure due to synthesis defect of mtDNA-encoded proteins. Also called: LIVER FAILURE, INFANTILE, TRANSIENT; TRMU Deficiency; Liver failure acute infantile. Identifiers: Orphanet 217371, MedGen C3278664, MONDO:0013111, OMIM 613070.
Aminoglycoside-induced deafness. Also called: STREPTOMYCIN OTOTOXICITY; MT-RNR1-Related Hearing Loss and Deafness; DEAFNESS, STREPTOMYCIN-INDUCED. Identifiers: Orphanet 168609, MedGen C1838854, MONDO:0010799, OMIM 580000.

Submissions (2):

Natera, Inc.
Classification: Likely pathogenic for Acute infantile liver failure due to synthesis defect of mtDNA-encoded proteins. Last evaluated: 2024-06-11. Review status: criteria provided, single submitter. Criteria: Natera Variant Classification Schema (03/2026). Collection method: clinical testing. Allele origin: germline.
Comment: The c.824_825delAG variant in TRMU is a frameshift variant predicted to shift the reading frame beginning at codon 275 and leads to a stop codon 13 codons downstream. This variant is expected to result in nonsense mediated decay, truncation, or a dysfunctional protein product. This variant is rare in the general population with a frequency below the threshold expected for the associated phenotype(s). Given the available evidence, this variant is classified as Likely Pathogenic.

Baylor Genetics
Classification: Likely pathogenic for Aminoglycoside-induced deafness. Last evaluated: 2023-03-01. Review status: criteria provided, single submitter. Criteria: ACMG Guidelines, 2015. Collection method: clinical testing. Allele origin: unknown.

NM_018006.5(TRMU):c.824_825del (p.Glu275fs)

Gene: TRMU (tRNA mitochondrial 2-thiouridylase; plus strand). Cytogenetic location: 22q13.31.
Variant type: Microsatellite.
Coding change: c.824_825del on transcript NM_018006.5 (MANE Select); coding-DNA positions 824 to 825, 2 bases deleted (AG; older notation c.824_825delAG).
Protein change: p.Glu275fs; shifts the reading frame from glutamic acid 275.
Molecular consequence: frameshift variant. On other transcripts: non-coding transcript variant (2).
Genome position (GRCh38, 1-based): chr22:46,353,818-46,353,819, AG deleted; deleting any 2 consecutive bases within chr22:46,353,813-46,353,819 gives the same sequence; the c. name uses the placement nearest the transcript's 3' end. VCF-style (leftmost placement, unchanged base first): chr22-46353812-TGA-T. GRCh37 (hg19) VCF-style: chr22-46749709-TGA-T.
Other names: c.*264_*265AG[2] (NM_001008568.2); c.*358_*359AG[2] (NM_001008570.2); c.482_483del, p.Glu161fs (NM_001282782.2); c.404_405del, p.Glu135fs (NM_001282783.2, NM_001282784.2); c.824_825del, p.Glu275fs (NM_001282785.2); c.824_825delAG (NM_018006.4); short protein forms E135fs, E161fs, E275fs.
Identifiers: ClinVar variation 2679287 (VCV002679287.2), dbSNP rs1191230933, ClinGen allele CA2657377129.